The following is an entry in ClinVar:

NM_172362.3(KCNH1):c.1831G>C (p.Ala611Pro)

Gene: KCNH1 (potassium voltage-gated channel subfamily H member 1; minus strand). Cytogenetic location: 1q32.2.
Variant type: single nucleotide variant.
Coding change: c.1831G>C on transcript NM_172362.3 (MANE Select); coding-DNA position 1831, G replaced by C.
Protein change: p.Ala611Pro; replaces alanine 611 with proline.
Molecular consequence: missense variant.
Genome position (GRCh38, 1-based): chr1:210,797,592, C>G on the plus strand (G>C on the coding strand, the complement: KCNH1 is on the minus strand). VCF-style: chr1-210797592-C-G. GRCh37 (hg19) VCF-style: chr1-210970934-C-G.
Other names: c.1750G>C, p.Ala584Pro (NM_002238.4); short protein forms A584P, A611P.
Identifiers: ClinVar variation 2504663 (VCV002504663.4), dbSNP rs1383990598, ClinGen allele CA344872514.

ClinVar aggregate classification (germline): Uncertain significance. Review status: criteria provided, multiple submitters, no conflicts (2 of 4 stars). 2 submissions from 2 submitters: Uncertain significance (2). Last evaluated 2022-12-12.

Submissions (2):

GeneDx
Classification: Uncertain significance. Last evaluated: 2022-12-12. Review status: criteria provided, single submitter. Criteria: GeneDx Variant Classification Process June 2021. Collection method: clinical testing. Allele origin: germline. Affected: yes.
Comment: Not observed at significant frequency in large population cohorts (gnomAD); In silico analysis supports that this missense variant does not alter protein structure/function; Has not been previously published as pathogenic or benign to our knowledge

Labcorp Genetics (formerly Invitae), Labcorp
Classification: Uncertain significance. Last evaluated: 2022-11-17. Review status: criteria provided, single submitter. Criteria: Invitae Variant Classification Sherloc (09022015). Collection method: clinical testing. Allele origin: germline.
Comment: In summary, the available evidence is currently insufficient to determine the role of this variant in disease. Therefore, it has been classified as a Variant of Uncertain Significance. Advanced modeling of protein sequence and biophysical properties (such as structural, functional, and spatial information, amino acid conservation, physicochemical variation, residue mobility, and thermodynamic stability) has been performed at Invitae for this missense variant, however the output from this modeling did not meet the statistical confidence thresholds required to predict the impact of this variant on KCNH1 protein function. This variant has not been reported in the literature in individuals affected with KCNH1-related conditions. This variant is not present in population databases (gnomAD no frequency). This sequence change replaces alanine, which is neutral and non-polar, with proline, which is neutral and non-polar, at codon 611 of the KCNH1 protein (p.Ala611Pro).